The following is an entry in ClinVar:

NM_005591.4(MRE11):c.1223C>A (p.Thr408Lys)

Gene: MRE11 (MRE11 double strand break repair nuclease; minus strand). Cytogenetic location: 11q21.
Variant type: single nucleotide variant.
Coding change: c.1223C>A on transcript NM_005591.4 (MANE Select); coding-DNA position 1223, C replaced by A.
Protein change: p.Thr408Lys; replaces threonine 408 with lysine.
Molecular consequence: missense variant.
Genome position (GRCh38, 1-based): chr11:94,464,115, G>T on the plus strand (C>A on the coding strand, the complement: MRE11 is on the minus strand). VCF-style: chr11-94464115-G-T. GRCh37 (hg19) VCF-style: chr11-94197281-G-T.
Other names: c.1223C>A, p.Thr408Lys (NM_001330347.2, NM_005590.4); short protein forms T408K.
Identifiers: ClinVar variation 2586212 (VCV002586212.2), dbSNP rs1565223648, ClinGen allele CA382372639.

ClinVar aggregate classification (germline): Uncertain significance (1 of 4 stars; one submission).

Conditions:
Hereditary cancer-predisposing syndrome. Also called: Hereditary neoplastic syndrome; Tumor predisposition; Hereditary Cancer Syndrome; Neoplastic Syndromes, Hereditary. Identifiers: Orphanet 140162, MedGen C0027672, MeSH D009386, MONDO:0015356.

Submission:

Ambry Genetics
Classification: Uncertain significance for Hereditary cancer-predisposing syndrome. Last evaluated: 2023-07-29. Review status: criteria provided, single submitter. Criteria: Ambry Variant Classification Scheme 2023. Collection method: clinical testing. Allele origin: germline.
Comment: The p.T408K variant (also known as c.1223C>A), located in coding exon 10 of the MRE11A gene, results from a C to A substitution at nucleotide position 1223. The threonine at codon 408 is replaced by lysine, an amino acid with similar properties. This amino acid position is conserved. In addition, this alteration is predicted to be tolerated by in silico analysis. Since supporting evidence is limited at this time, the clinical significance of this alteration remains unclear.